The following is an entry in ClinVar:

NM_000186.4(CFH):c.-57G>A

Gene: CFH (complement factor H; plus strand). Cytogenetic location: 1q31.3.
Variant type: single nucleotide variant.
Coding change: c.-57G>A on transcript NM_000186.4 (MANE Select); 57 bases upstream of the start codon, G replaced by A.
Molecular consequence: 5 prime UTR variant.
Genome position (GRCh38, 1-based): chr1:196,652,061, G>A. VCF-style: chr1-196652061-G-A. GRCh37 (hg19) VCF-style: chr1-196621191-G-A.
Other names: c.-57G>A (NM_001014975.3).
Identifiers: ClinVar variation 4291285 (VCV004291285.1).

ClinVar aggregate classification (germline): Uncertain significance (1 of 4 stars; one submission).

Conditions:
Atypical hemolytic-uremic syndrome. Identifiers: Orphanet 2134, MedGen C2931788, MONDO:0016244.
Basal laminar drusen. Also called: DRUSEN OF BRUCH MEMBRANE; DRUSEN, CUTICULAR; DRUSEN, EARLY ADULT-ONSET, GROUPED. Identifiers: Orphanet 75376, MedGen C0730295, MONDO:0007472, OMIM 126700.
Factor H deficiency (CFHD). Also called: COMPLEMENT FACTOR H DEFICIENCY; CFH DEFICIENCY. Identifiers: Orphanet 200421, MedGen C0398777, MONDO:0012350, OMIM 609814.
Age related macular degeneration 4. Identifiers: MedGen C1853147, MONDO:0012540, OMIM 610698.

Submission:

Genomenon, Inc
Classification: Uncertain significance for Basal laminar drusen; Age related macular degeneration 4; Atypical hemolytic-uremic syndrome; Factor H deficiency. Last evaluated: 2025-10-02. Review status: criteria provided, single submitter. Criteria: Genomenon Sequence Variant Interpretation Standards - Updated. Collection method: curation. Allele origin: germline. Affected: no.
Comment: CFH c.-57G>A is a variant located in the 5′ untranslated region (5′ UTR). This variant has been reported in the published literature (PMID:36211394). It is absent or not present at a significant frequency in gnomAD. In conclusion, we classify CFH c.-57G>A as a variant of uncertain significance.

Literature cited by the submitters: PubMed 36211394.